The following is an entry in ClinVar:

NM_000349.3(STAR):c.667A>C (p.Thr223Pro)

Gene: STAR (steroidogenic acute regulatory protein; minus strand). Cytogenetic location: 8p11.23.
Variant type: single nucleotide variant.
Coding change: c.667A>C on transcript NM_000349.3 (MANE Select); coding-DNA position 667, A replaced by C.
Protein change: p.Thr223Pro; replaces threonine 223 with proline.
Molecular consequence: missense variant.
Genome position (GRCh38, 1-based): chr8:38,145,299, T>G on the plus strand (A>C on the coding strand, the complement: STAR is on the minus strand). VCF-style: chr8-38145299-T-G. GRCh37 (hg19) VCF-style: chr8-38002817-T-G.
Other names: short protein forms T223P.
Identifiers: ClinVar variation 1362022 (VCV001362022.6), dbSNP rs765968833, ClinGen allele CA4715170.
Genomic context (GRCh38, chr8:38,145,299, plus strand): 5'-GTAGCCACGTAAGTTTGGTCTTAGAGGGACTTCCAGCCAACGGGTGAAGCACCATGCAAG[T>G]GGGACCGTGCTCCGCCCTGGCAAATGGAGAAGTCAAGTCAGGAGGACAGTTGCGAGTTCT-3'
Protein context (NP_000340.2, residues 213-233): KGVIRAEHGP[Thr223Pro]CMVLHPLAGS

ClinVar aggregate classification (germline): Uncertain significance (1 of 4 stars; one submission).

Allele frequency attached by ClinVar (database versions not stated): gnomAD 0.00001.
gnomAD v4.1: 2 of 1,614,062 alleles (0.00012%); highest among the groups gnomAD compares: Non-Finnish European, 0.00017%; no homozygotes.

Submission:

Labcorp Genetics (formerly Invitae), Labcorp
Classification: Uncertain significance. Last evaluated: 2022-01-06. Review status: criteria provided, single submitter. Criteria: Invitae Variant Classification Sherloc (09022015). Collection method: clinical testing. Allele origin: germline.
Comment: In summary, the available evidence is currently insufficient to determine the role of this variant in disease. Therefore, it has been classified as a Variant of Uncertain Significance. Algorithms developed to predict the effect of missense changes on protein structure and function are either unavailable or do not agree on the potential impact of this missense change (SIFT: "Deleterious"; PolyPhen-2: "Probably Damaging"; Align-GVGD: "Class C0"). This missense change has been observed in individual(s) with clinical features of congenital lipoid adrenal hyperplasia (Invitae). In at least one individual the data is consistent with being in trans (on the opposite chromosome) from a pathogenic variant. This variant is present in population databases (rs765968833, gnomAD 0.0009%). This sequence change replaces threonine, which is neutral and polar, with proline, which is neutral and non-polar, at codon 223 of the STAR protein (p.Thr223Pro).